The following is an entry in ClinVar:

NM_003701.4(TNFSF11):c.64_65delinsAG (p.Pro22Ser)

Genes: TNFSF11 (TNF superfamily member 11; plus strand), LOC130009662 (ATAC-STARR-seq lymphoblastoid silent region 5301; plus strand). Cytogenetic location: 13q14.11.
Variant type: Indel.
Coding change: c.64_65delinsAG on transcript NM_003701.4 (MANE Select); coding-DNA positions 64 to 65, CC replaced by AG.
Protein change: p.Pro22Ser; replaces proline 22 with serine.
Molecular consequence: missense variant. On other transcripts: intron variant (1).
Genome position (GRCh38, 1-based): chr13:42,574,367-42,574,368, CC replaced by AG. VCF-style: chr13-42574367-CC-AG. GRCh37 (hg19) VCF-style: chr13-43148503-CC-AG.
Other names: c.-1+2629_-1+2630delinsAG (NM_033012.4); short protein forms P22S.
Identifiers: ClinVar variation 1382923 (VCV001382923.5), dbSNP rs2137852408, ClinGen allele CA2573149530.

ClinVar aggregate classification (germline): Uncertain significance (1 of 4 stars; one submission).

Submission:

Labcorp Genetics (formerly Invitae), Labcorp
Classification: Uncertain significance. Last evaluated: 2021-09-24. Review status: criteria provided, single submitter. Criteria: Invitae Variant Classification Sherloc (09022015). Collection method: clinical testing. Allele origin: germline.
Comment: In summary, the available evidence is currently insufficient to determine the role of this variant in disease. Therefore, it has been classified as a Variant of Uncertain Significance. Algorithms developed to predict the effect of missense changes on protein structure and function are either unavailable or do not agree on the potential impact of this missense change (SIFT: "Not Available"; PolyPhen-2: "Benign"; Align-GVGD: "Not Available"). This variant has not been reported in the literature in individuals affected with TNFSF11-related conditions. The frequency data for this variant in the population databases is considered unreliable, as metrics indicate insufficient coverage at this position in the ExAC database. This sequence change replaces proline with serine at codon 22 of the TNFSF11 protein (p.Pro22Ser). The proline residue is weakly conserved and there is a moderate physicochemical difference between proline and serine.